The following is an entry in ClinVar:

NM_001042492.3(NF1):c.910del (p.Arg304fs)

Gene: NF1 (neurofibromin 1; plus strand). Cytogenetic location: 17q11.2.
Variant type: Deletion.
Coding change: c.910del on transcript NM_001042492.3 (MANE Select); coding-DNA position 910, one base deleted (C; older notation c.910delC).
Protein change: p.Arg304fs; shifts the reading frame from arginine 304.
Molecular consequence: frameshift variant.
Genome position (GRCh38, 1-based): chr17:31,200,443, C deleted. VCF-style (leftmost placement, unchanged base first): chr17-31200442-AC-A. GRCh37 (hg19) VCF-style: chr17-29527460-AC-A.
Other names: c.910delC, p.Arg304Glufs (NM_000267.4); c.910del, p.Arg304fs (NM_001128147.3); short protein forms R304fs.
Identifiers: ClinVar variation 2149060 (VCV002149060.4), dbSNP rs2544793377, ClinGen allele CA2580092788.
Genomic context (GRCh38, chr17:31,200,442, plus strand): 5'-ACTTCATATATTATCTTATCGCTATATTTGAATTCTGTAGAAGTTATTTCTGGACAGTCT[AC>A]GAAAAGCTCTTGCTGGCCATGGAGGAAGTAGGCAGCTGACAGAAAGTGCTGCAATTGCCT-3'

ClinVar aggregate classification (germline): Pathogenic (1 of 4 stars; one submission).

Conditions:
Neurofibromatosis, type 1 (NF1). Also called: Neurofibromatosis, type I; VON RECKLINGHAUSEN DISEASE; Peripheral type neurofibromatosis; NEUROFIBROMATOSIS, TYPE I, SOMATIC. Identifiers: Orphanet 636, MedGen C0027831, MONDO:0018975, OMIM 162200. Disease mechanism: loss of function.

Submission:

Labcorp Genetics (formerly Invitae), Labcorp
Classification: Pathogenic for Neurofibromatosis, type 1. Last evaluated: 2022-01-11. Review status: criteria provided, single submitter. Criteria: Invitae Variant Classification Sherloc (09022015). Collection method: clinical testing. Allele origin: germline.
Comment: For these reasons, this variant has been classified as Pathogenic. This variant has not been reported in the literature in individuals affected with NF1-related conditions. This variant is not present in population databases (gnomAD no frequency). This sequence change creates a premature translational stop signal (p.Arg304Glufs*13) in the NF1 gene. It is expected to result in an absent or disrupted protein product. Loss-of-function variants in NF1 are known to be pathogenic (PMID: 10712197, 23913538).

Literature cited by the submitters: PubMed 10712197; PubMed 23913538.